The following is an entry in ClinVar:

ClinVar aggregate classification (germline): Uncertain significance (1 of 4 stars; one submission).

Conditions:
Peroxisome biogenesis disorder. Identifiers: Orphanet 79189, MedGen C1832200, MONDO:0019234. Disease mechanism: loss of function.

Submission:

Labcorp Genetics (formerly Invitae), Labcorp
Classification: Uncertain significance for Peroxisome biogenesis disorder. Last evaluated: 2024-10-23. Review status: criteria provided, single submitter. Criteria: Invitae Variant Classification Sherloc (09022015). Collection method: clinical testing. Allele origin: germline.
Comment: This sequence change replaces isoleucine, which is neutral and non-polar, with threonine, which is neutral and polar, at codon 717 of the PEX6 protein (p.Ile717Thr). This variant is not present in population databases (gnomAD no frequency). This variant has not been reported in the literature in individuals affected with PEX6-related conditions. ClinVar contains an entry for this variant (Variation ID: 1433849). Invitae Evidence Modeling of protein sequence and biophysical properties (such as structural, functional, and spatial information, amino acid conservation, physicochemical variation, residue mobility, and thermodynamic stability) has been performed for this missense variant. However, the output from this modeling did not meet the statistical confidence thresholds required to predict the impact of this variant on PEX6 protein function. In summary, the available evidence is currently insufficient to determine the role of this variant in disease. Therefore, it has been classified as a Variant of Uncertain Significance.

NM_000287.4(PEX6):c.2150T>C (p.Ile717Thr)

Gene: PEX6 (peroxisomal biogenesis factor 6; minus strand). Cytogenetic location: 6p21.1.
Variant type: single nucleotide variant.
Coding change: c.2150T>C on transcript NM_000287.4 (MANE Select); coding-DNA position 2150, T replaced by C.
Protein change: p.Ile717Thr; replaces isoleucine 717 with threonine.
Molecular consequence: missense variant.
Genome position (GRCh38, 1-based): chr6:42,966,392, A>G on the plus strand (T>C on the coding strand, the complement: PEX6 is on the minus strand). VCF-style: chr6-42966392-A-G. GRCh37 (hg19) VCF-style: chr6-42934130-A-G.
Other names: c.1886T>C, p.Ile629Thr (NM_001316313.2); short protein forms I629T, I717T.
Identifiers: ClinVar variation 1433849 (VCV001433849.7), dbSNP rs2114239994, ClinGen allele CA364152396.